The following is an entry in ClinVar:

ClinVar aggregate classification (germline): Uncertain significance (1 of 4 stars; one submission).

gnomAD v4.1: 1 of 1,552,316 alleles (0.000064%); highest among the groups gnomAD compares: Non-Finnish European, 0.000087%; no homozygotes.

Submission:

Labcorp Genetics (formerly Invitae), Labcorp
Classification: Uncertain significance. Last evaluated: 2020-10-08. Review status: criteria provided, single submitter. Criteria: Invitae Variant Classification Sherloc (09022015). Collection method: clinical testing. Allele origin: germline.
Comment: Algorithms developed to predict the effect of missense changes on protein structure and function are either unavailable or do not agree on the potential impact of this missense change (SIFT: "Deleterious"; PolyPhen-2: "Probably Damaging"; Align-GVGD: "Class C0"). This variant has not been reported in the literature in individuals with MYO7A-related conditions. This variant is not present in population databases (ExAC no frequency). This sequence change replaces lysine with asparagine at codon 1110 of the MYO7A protein (p.Lys1110Asn). The lysine residue is highly conserved and there is a moderate physicochemical difference between lysine and asparagine. In summary, the available evidence is currently insufficient to determine the role of this variant in disease. Therefore, it has been classified as a Variant of Uncertain Significance.

NM_000260.4(MYO7A):c.3330G>C (p.Lys1110Asn)

Gene: MYO7A (myosin VIIA; plus strand). Cytogenetic location: 11q13.5.
Variant type: single nucleotide variant.
Coding change: c.3330G>C on transcript NM_000260.4 (MANE Select); coding-DNA position 3330, G replaced by C.
Protein change: p.Lys1110Asn; replaces lysine 1110 with asparagine.
Molecular consequence: missense variant.
Genome position (GRCh38, 1-based): chr11:77,183,112, G>C. VCF-style: chr11-77183112-G-C. GRCh37 (hg19) VCF-style: chr11-76894157-G-C.
Other names: c.3330G>C, p.Lys1110Asn (NM_001127180.2); c.3297G>C, p.Lys1099Asn (NM_001369365.1); short protein forms K1110N, K1099N.
Identifiers: ClinVar variation 971755 (VCV000971755.9), dbSNP rs1555086002, ClinGen allele CA381945597.